The following is an entry in ClinVar:

ClinVar aggregate classification (germline): Likely pathogenic (1 of 4 stars; one submission).

Conditions:
Junctional epidermolysis bullosa gravis of Herlitz. Also called: Herlitz-type junctional epidermolysis bullosa; Epidermolysis Bullosa Letalis; EPIDERMOLYSIS BULLOSA, JUNCTIONAL 1B, SEVERE; EPIDERMOLYSIS BULLOSA JUNCTIONALIS, HERLITZ TYPE; EPIDERMOLYSIS BULLOSA, JUNCTIONAL, HERLITZ-PEARSON TYPE; JEB-HERLITZ TYPE. Identifiers: Orphanet 79404, MedGen C0079683, MONDO:0009182, OMIM 226700.

Submission:

Myriad Genetics, Inc.
Classification: Likely pathogenic for Junctional epidermolysis bullosa gravis of Herlitz. Last evaluated: 2019-03-31. Review status: criteria provided, single submitter. Criteria: Myriad Women's Health Autosomal Recessive and X-Linked Classification Criteria (2019). Collection method: clinical testing. Allele origin: unknown.
Comment: NM_000228.2(LAMB3):c.2992C>T(Q998*) is expected to be pathogenic in the context of Herlitz junctional epidermolysis bullosa, LAMB3-related. This variant is predicted to lead to an abnormal or absent protein product due to the creation of a premature termination codon in LAMB3, a gene where loss-of-function variants are known to be pathogenic. Please note: this variant was assessed in the context of healthy population screening.

NM_000228.3(LAMB3):c.2992C>T (p.Gln998Ter)

Gene: LAMB3 (laminin subunit beta 3; minus strand). Cytogenetic location: 1q32.2.
Variant type: single nucleotide variant.
Coding change: c.2992C>T on transcript NM_000228.3 (MANE Select); coding-DNA position 2992, C replaced by T.
Protein change: p.Gln998Ter; replaces glutamine 998 with a stop codon.
Molecular consequence: nonsense.
Genome position (GRCh38, 1-based): chr1:209,617,966, G>A on the plus strand (C>T on the coding strand, the complement: LAMB3 is on the minus strand). VCF-style: chr1-209617966-G-A. GRCh37 (hg19) VCF-style: chr1-209791311-G-A.
Other names: c.2992C>T, p.Gln998Ter (NM_001017402.2, NM_001127641.1); short protein forms Q998*.
Identifiers: ClinVar variation 983936 (VCV000983936.3), dbSNP rs1666039804, ClinGen allele CA344584765.
Genomic context (GRCh38, chr1:209,617,966, plus strand): 5'-CCTCAGCAACCCTGTCCTGGATAAGCCGAAGGGAGCGGCTGGTGCCTTGCATGGTGTCCT[G>A]AGCTTCCTGCAGTGCCACTGTCCCCTGCCGCAGGTTCCCAACCACATCTTCCACCTGGCC-3'